The following is an entry in ClinVar:

ClinVar aggregate classification (germline): Uncertain significance. Review status: criteria provided, single submitter (1 of 4 stars). 2 submissions from 2 submitters: Uncertain significance (1). 1 of the submissions does not count toward it. Last evaluated 2022-02-09.

Conditions:
Retinitis pigmentosa 71 (RP71). Identifiers: Orphanet 791, MedGen C4225342, MONDO:0014618, OMIM 616394.
Short-rib thoracic dysplasia 10 with or without polydactyly (SRTD10). Identifiers: Orphanet 474, MedGen C3810175, MONDO:0014284, OMIM 615630.
IFT172-related disorder. Also called: IFT172-related condition; IFT172-related disorders.

gnomAD v4.1: 1 of 1,614,188 alleles (0.000062%); highest among the groups gnomAD compares: African/African-American, 0.0013%; no homozygotes.

Submissions (2):

Labcorp Genetics (formerly Invitae), Labcorp
Classification: Uncertain significance for Retinitis pigmentosa 71; Short-rib thoracic dysplasia 10 with or without polydactyly. Last evaluated: 2022-02-09. Review status: criteria provided, single submitter. Criteria: Invitae Variant Classification Sherloc (09022015). Collection method: clinical testing. Allele origin: germline.
Comment: This variant is not present in population databases (gnomAD no frequency). In summary, the available evidence is currently insufficient to determine the role of this variant in disease. Therefore, it has been classified as a Variant of Uncertain Significance. Algorithms developed to predict the effect of missense changes on protein structure and function are either unavailable or do not agree on the potential impact of this missense change (SIFT: "Deleterious"; PolyPhen-2: "Benign"; Align-GVGD: "Class C0"). ClinVar contains an entry for this variant (Variation ID: 1005164). This variant has not been reported in the literature in individuals affected with IFT172-related conditions. This sequence change replaces valine, which is neutral and non-polar, with methionine, which is neutral and non-polar, at codon 347 of the IFT172 protein (p.Val347Met).

PreventionGenetics, part of Exact Sciences
Classification: Uncertain significance for IFT172-related condition. Last evaluated: 2024-08-14. Review status: no assertion criteria provided. Collection method: clinical testing. Allele origin: germline. Not counted in ClinVar's aggregate classification.
Comment: The IFT172 c.1039G>A variant is predicted to result in the amino acid substitution p.Val347Met. To our knowledge, this variant has not been reported in the literature or in a large population database, indicating this variant is rare. At this time, the clinical significance of this variant is uncertain due to the absence of conclusive functional and genetic evidence.

NM_015662.3(IFT172):c.1039G>A (p.Val347Met)

Gene: IFT172 (intraflagellar transport 172; minus strand). Cytogenetic location: 2p23.3.
Variant type: single nucleotide variant.
Coding change: c.1039G>A on transcript NM_015662.3 (MANE Select); coding-DNA position 1039, G replaced by A.
Protein change: p.Val347Met; replaces valine 347 with methionine.
Molecular consequence: missense variant.
Genome position (GRCh38, 1-based): chr2:27,478,123, C>T on the plus strand (G>A on the coding strand, the complement: IFT172 is on the minus strand). VCF-style: chr2-27478123-C-T. GRCh37 (hg19) VCF-style: chr2-27700990-C-T.
Other names: c.1039G>A (NM_015662.2); short protein forms V347M.
Identifiers: ClinVar variation 1005164 (VCV001005164.7), dbSNP rs773726175, ClinGen allele CA346395411.